The following is an entry in ClinVar:

NM_022081.6(HPS4):c.13A>G (p.Thr5Ala)

Gene: HPS4 (HPS4 biogenesis of lysosomal organelles complex 3 subunit 2; minus strand). Cytogenetic location: 22q12.1.
Variant type: single nucleotide variant.
Coding change: c.13A>G on transcript NM_022081.6 (MANE Select); coding-DNA position 13, A replaced by G.
Protein change: p.Thr5Ala; replaces threonine 5 with alanine.
Molecular consequence: missense variant. On other transcripts: non-coding transcript variant (7).
Genome position (GRCh38, 1-based): chr22:26,481,750, T>C on the plus strand (A>G on the coding strand, the complement: HPS4 is on the minus strand). VCF-style: chr22-26481750-T-C. GRCh37 (hg19) VCF-style: chr22-26877716-T-C.
Other names: c.13A>G (NM_022081.5); c.13A>G, p.Thr5Ala (NM_001349900.2, NM_001349901.1, NM_001349902.1 and 6 more transcripts); short protein forms T5A.
Identifiers: ClinVar variation 498641 (VCV000498641.16), dbSNP rs570371168, ClinGen allele CA10163868.

ClinVar aggregate classification (germline): Conflicting classifications of pathogenicity. Review status: criteria provided, conflicting classifications (1 of 4 stars). 4 submissions from 4 submitters: Uncertain significance (2); Likely benign (1). 1 of the submissions does not count toward it. Last evaluated 2026-04-29.

Conditions:
HPS4-related disorder. Also called: HPS4-related condition.

Allele frequency attached by ClinVar (database versions not stated): gnomAD 0.00004 and 0.00007; TOPMed 0.00005; gnomAD exomes 0.00012 and 0.00036; ExAC 0.00036; 1000 Genomes Project 30x 0.00078; 1000 Genomes Project 0.00100.
gnomAD v4.1: 194 of 1,614,104 alleles (0.012%); highest among the groups gnomAD compares: South Asian, 0.16%; 1 homozygote.

Submissions (4):

GeneDx
Classification: Uncertain significance. Last evaluated: 2026-04-29. Review status: criteria provided, single submitter. Criteria: GeneDx Variant Classification Process June 2021. Collection method: clinical testing. Allele origin: germline.
Comment: In silico analysis suggests that this missense variant does not alter protein structure/function; Has not been previously published as pathogenic or benign to our knowledge

Labcorp Genetics (formerly Invitae), Labcorp
Classification: Likely benign. Last evaluated: 2026-01-28. Review status: criteria provided, single submitter. Criteria: Invitae Variant Classification Sherloc (09022015). Collection method: clinical testing. Allele origin: germline.

Eurofins Ntd Llc (ga)
Classification: Uncertain significance. Last evaluated: 2016-12-02. Review status: criteria provided, single submitter. Criteria: EGL Classification Definitions 2015. Collection method: clinical testing. Allele origin: germline. Observed: 1 variant allele, 1 heterozygote.

PreventionGenetics, part of Exact Sciences
Classification: Likely benign for HPS4-related condition. Last evaluated: 2022-02-03. Review status: no assertion criteria provided. Collection method: clinical testing. Allele origin: germline. Not counted in ClinVar's aggregate classification.
Comment: This variant is classified as likely benign based on ACMG/AMP sequence variant interpretation guidelines (Richards et al. 2015 PMID: 25741868, with internal and published modifications).